The following is an entry in ClinVar:

ClinVar aggregate classification (germline): Uncertain significance (1 of 4 stars; one submission).

Conditions:
Juvenile polyposis syndrome (JPS). Identifiers: Orphanet 2929, MedGen C0345893, MONDO:0017380, OMIM 174900.

Submission:

Labcorp Genetics (formerly Invitae), Labcorp
Classification: Uncertain significance for Juvenile polyposis syndrome. Last evaluated: 2024-02-02. Review status: criteria provided, single submitter. Criteria: Invitae Variant Classification Sherloc (09022015). Collection method: clinical testing. Allele origin: germline.
Comment: This sequence change replaces alanine, which is neutral and non-polar, with serine, which is neutral and polar, at codon 451 of the SMAD4 protein (p.Ala451Ser). This variant is not present in population databases (gnomAD no frequency). This variant has not been reported in the literature in individuals affected with SMAD4-related conditions. Advanced modeling of protein sequence and biophysical properties (such as structural, functional, and spatial information, amino acid conservation, physicochemical variation, residue mobility, and thermodynamic stability) has been performed at Invitae for this missense variant, however the output from this modeling did not meet the statistical confidence thresholds required to predict the impact of this variant on SMAD4 protein function. In summary, the available evidence is currently insufficient to determine the role of this variant in disease. Therefore, it has been classified as a Variant of Uncertain Significance.

NM_005359.6(SMAD4):c.1351G>T (p.Ala451Ser)

Gene: SMAD4 (SMAD family member 4; plus strand). Cytogenetic location: 18q21.2.
Variant type: single nucleotide variant.
Coding change: c.1351G>T on transcript NM_005359.6 (MANE Select); coding-DNA position 1351, G replaced by T.
Protein change: p.Ala451Ser; replaces alanine 451 with serine.
Molecular consequence: missense variant. On other transcripts: non-coding transcript variant (1).
Genome position (GRCh38, 1-based): chr18:51,076,680, G>T. VCF-style: chr18-51076680-G-T. GRCh37 (hg19) VCF-style: chr18-48603050-G-T.
Other names: c.1351G>T, p.Ala451Ser (NM_001407041.1, NM_001407042.1); short protein forms A451S.
Identifiers: ClinVar variation 3637579 (VCV003637579.2).